The following is an entry in ClinVar:

ClinVar aggregate classification (germline): Uncertain significance (1 of 4 stars; one submission).

Submission:

GeneDx
Classification: Uncertain significance. Last evaluated: 2022-01-11. Review status: criteria provided, single submitter. Criteria: GeneDx Variant Classification Process June 2021. Collection method: clinical testing. Allele origin: germline. Affected: yes.
Comment: Not observed at significant frequency in large population cohorts (gnomAD); In silico analysis supports that this missense variant does not alter protein structure/function; Has not been previously published as pathogenic or benign to our knowledge

NM_013275.6(ANKRD11):c.7921G>A (p.Val2641Met)

Gene: ANKRD11 (ankyrin repeat domain containing 11; minus strand). Cytogenetic location: 16q24.3.
Variant type: single nucleotide variant.
Coding change: c.7921G>A on transcript NM_013275.6 (MANE Select); coding-DNA position 7921, G replaced by A.
Protein change: p.Val2641Met; replaces valine 2641 with methionine.
Molecular consequence: missense variant.
Genome position (GRCh38, 1-based): chr16:89,268,549, C>T on the plus strand (G>A on the coding strand, the complement: ANKRD11 is on the minus strand). VCF-style: chr16-89268549-C-T. GRCh37 (hg19) VCF-style: chr16-89334957-C-T.
Other names: c.7921G>A, p.Val2641Met (NM_001256182.2, NM_001256183.2); short protein forms V2641M.
Identifiers: ClinVar variation 1695679 (VCV001695679.2), dbSNP rs2151660648, ClinGen allele CA397145048.
Genomic context (GRCh38, chr16:89,268,549, plus strand): 5'-ACAATACAAAGTCGTCGTTGACGTCGACCATGGGCACGTAGAAGGAGGGCACCTCGTTCA[C>T]GCACAGGGACTTGTGCCCGGCGGGGTCCAGTTCCTGCACCTTCAGCTGCCACTCCATCCT-3'
Protein context (NP_037407.4, residues 2631-2651): LDPAGHKSLC[Val2641Met]NEVPSFYVPM